The following is an entry in ClinVar:

NM_000169.3(GLA):c.388A>C (p.Lys130Gln)

Genes: GLA (galactosidase alpha; minus strand), RPL36A-HNRNPH2 (RPL36A-HNRNPH2 readthrough; plus strand). Cytogenetic location: Xq22.1.
Variant type: single nucleotide variant.
Coding change: c.388A>C on transcript NM_000169.3 (MANE Select); coding-DNA position 388, A replaced by C.
Protein change: p.Lys130Gln; replaces lysine 130 with glutamine.
Molecular consequence: missense variant. On other transcripts: non-coding transcript variant (3), intron variant (2).
Genome position (GRCh38, 1-based): chrX:101,401,791, T>G on the plus strand (A>C on the coding strand, the complement: GLA is on the minus strand). VCF-style: chrX-101401791-T-G. GRCh37 (hg19) VCF-style: chrX-100656779-T-G.
Other names: c.511A>C, p.Lys171Gln (NM_001406747.1, NM_001406749.1); c.388A>C, p.Lys130Gln (NM_001406748.1); c.300+6334T>G (NM_001199973.2); c.177+9969T>G (NM_001199974.2); short protein forms K130Q, K171Q.
Identifiers: ClinVar variation 3073767 (VCV003073767.1), dbSNP rs1928328220, ClinGen allele CA413930737.

ClinVar aggregate classification (germline): Uncertain significance (1 of 4 stars; one submission).

Conditions:
Fabry disease. Also called: Fabry's disease; ALPHA-GALACTOSIDASE A DEFICIENCY; ANDERSON-FABRY DISEASE; CERAMIDE TRIHEXOSIDASE DEFICIENCY; GLA DEFICIENCY; HEREDITARY DYSTOPIC LIPIDOSIS. Identifiers: Orphanet 324, MedGen C0002986, MONDO:0010526, OMIM 301500, HP:0001071. Disease mechanism: Fabry disease is due to inactivating mutations in the X-linked GLA gene resulting in deficiency of the enzyme Alpha Galactosidase-A., loss of function.

Allele frequency attached by ClinVar (database versions not stated): TOPMed below 0.00001.

Submission:

All of Us Research Program, National Institutes of Health
Classification: Uncertain significance for Fabry disease. Last evaluated: 2023-10-06. Review status: criteria provided, single submitter. Criteria: ACMG Guidelines, 2015. Collection method: clinical testing. Allele origin: germline. Inheritance: X-linked inheritance. Observed: 1 variant allele, 1 heterozygote.
Comment: This missense variant replaces lysine with glutamine at codon 130 of the GLA protein. Computational prediction suggests that this variant may have deleterious impact on protein structure and function (internally defined REVEL score threshold >= 0.7, PMID: 27666373). To our knowledge, functional studies have not been reported for this variant. This variant has not been reported in individuals affected with GLA-related disorders in the literature. This variant has not been identified in the general population by the Genome Aggregation Database (gnomAD). The available evidence is insufficient to determine the role of this variant in disease conclusively. Therefore, this variant is classified as a Variant of Uncertain Significance.

This study involves interpretation of variants in research participants for the purpose of population health screening. Participant phenotype was not available at the time of variant classification. Additional details can be found in publication PMID: 35346344, PMCID: PMC8962531